The following is an entry in ClinVar:

ClinVar aggregate classification (germline): Benign/Likely benign. Review status: criteria provided, multiple submitters, no conflicts (2 of 4 stars). 9 submissions from 9 submitters: Benign (5); Likely benign (2). 2 of the submissions do not count toward it. Last evaluated 2026-02-03.

Conditions:
Inborn genetic diseases. Identifiers: MedGen C0950123, MeSH D030342.
Cohen syndrome (COH1). Also called: Cutis verticis gyrata, retinitis pigmentosa, and sensorineural deafness; PEPPER SYNDROME. Identifiers: Orphanet 193, MedGen C0265223, MONDO:0008999, OMIM 216550.

Allele frequency attached by ClinVar (database versions not stated): gnomAD exomes 0.00094 and 0.00265; ExAC 0.00334; gnomAD 0.00958 and 0.01022; TOPMed 0.01080; ESP Exome Variant Server 0.01099; 1000 Genomes Project 0.01178; 1000 Genomes Project 30x 0.01234.
gnomAD v4.1: 2,873 of 1,613,970 alleles (0.18%); highest among the groups gnomAD compares: African/African-American, 3.4%; 61 homozygotes.

Submissions (9):

Labcorp Genetics (formerly Invitae), Labcorp
Classification: Benign for Cohen syndrome. Last evaluated: 2026-02-03. Review status: criteria provided, single submitter. Criteria: Invitae Variant Classification Sherloc (09022015). Collection method: clinical testing. Allele origin: germline.

Women's Health and Genetics/Laboratory Corporation of America, LabCorp
Classification: Benign. Last evaluated: 2026-01-23. Review status: criteria provided, single submitter. Criteria: LabCorp Variant Classification Summary - May 2015. Collection method: clinical testing. Allele origin: germline.

GeneDx
Classification: Likely benign. Last evaluated: 2021-05-07. Review status: criteria provided, single submitter. Criteria: GeneDx Variant Classification Process June 2021. Collection method: clinical testing. Allele origin: germline. Affected: yes.

Mayo Clinic Laboratories, Mayo Clinic
Classification: Benign. Last evaluated: 2018-11-14. Review status: criteria provided, single submitter. Criteria: ACMG Guidelines, 2015. Collection method: clinical testing. Allele origin: germline. Observed: 9 variant alleles.

Illumina Laboratory Services, Illumina
Classification: Benign for Cohen syndrome. Last evaluated: 2018-01-12. Review status: criteria provided, single submitter. Criteria: ICSL Variant Classification Criteria 13 December 2019. Collection method: clinical testing. Allele origin: germline.
Comment: This variant was observed in the ICSL laboratory as part of a predisposition screen in an ostensibly healthy population. It had not been previously curated by ICSL or reported in the Human Gene Mutation Database (HGMD: prior to June 1st, 2018), and was therefore a candidate for classification through an automated scoring system. Utilizing variant allele frequency, disease prevalence and penetrance estimates, and inheritance mode, an automated score was calculated to assess if this variant is too frequent to cause the disease. Based on the score and internal cut-off values, a variant classified as benign is not then subjected to further curation. The score for this variant resulted in a classification of benign for this disease.

Ambry Genetics
Classification: Benign for Inborn genetic diseases. Last evaluated: 2016-05-02. Review status: criteria provided, single submitter. Criteria: Ambry Variant Classification Scheme 2023. Collection method: clinical testing. Allele origin: germline.

Breakthrough Genomics
Classification: Likely benign. Review status: criteria provided, single submitter. Criteria: ACMG Guidelines, 2015. Collection method: not provided. Allele origin: germline. Inheritance: Autosomal recessive inheritance. Affected: yes.

Natera, Inc.
Classification: Benign for Cohen syndrome. Last evaluated: 2020-09-16. Review status: no assertion criteria provided. Collection method: clinical testing. Allele origin: germline. Not counted in ClinVar's aggregate classification.

Genetic Services Laboratory, University of Chicago
Classification: Likely benign for AllHighlyPenetrant. Review status: no assertion criteria provided. Collection method: clinical testing. Allele origin: germline. Inheritance: Autosomal recessive inheritance. Not counted in ClinVar's aggregate classification.
Comment: Likely benign based on allele frequency in 1000 Genomes Project or ESP global frequency and its presence in a patient with a rare or unrelated disease phenotype. NOT Sanger confirmed.

NM_152564.5(VPS13B):c.3744A>G (p.Leu1248=)

Gene: VPS13B (vacuolar protein sorting 13 homolog B; plus strand). Cytogenetic location: 8q22.2.
Variant type: single nucleotide variant.
Coding change: c.3744A>G on transcript NM_152564.5 (MANE Select); coding-DNA position 3744, A replaced by G.
Protein change: p.Leu1248=; no amino-acid change (leucine 1248 retained).
Molecular consequence: synonymous variant.
Genome position (GRCh38, 1-based): chr8:99,481,676, A>G. VCF-style: chr8-99481676-A-G. GRCh37 (hg19) VCF-style: chr8-100493904-A-G.
Other names: p.Leu1248=; c.3744A>G, p.Leu1248= (NM_017890.5).
Identifiers: ClinVar variation 130723 (VCV000130723.29), dbSNP rs16897391, ClinGen allele CA155953.